The following is an entry in ClinVar:

ClinVar aggregate classification (germline): Pathogenic (1 of 4 stars; one submission).

Conditions:
Perlman syndrome (PRLMNS). Identifiers: Orphanet 2849, MedGen C0796113, MONDO:0009965, OMIM 267000.

Submission:

Labcorp Genetics (formerly Invitae), Labcorp
Classification: Pathogenic for Perlman syndrome. Last evaluated: 2022-11-01. Review status: criteria provided, single submitter. Criteria: Invitae Variant Classification Sherloc (09022015). Collection method: clinical testing. Allele origin: germline.
Comment: This variant is a gross deletion of the genomic region encompassing exon(s) 9 of the DIS3L2 gene. This variant would be expected to be in-frame, preserving the integrity of the reading frame. A similar copy number variant has been observed in individual(s) with Perlman syndrome (PMID: 22306653, 23486540). Algorithms developed to predict the effect of variants on protein structure and function are not available or were not evaluated for this variant. Experimental studies have shown that a similar copy number variant affects DIS3L2 function (PMID: 22306653). The region of the DIS3L2 gene that includes exon(s) exon 9 has been determined to be clinically significant (PMID: 22306653, 23486540). Therefore, deletions that encompass that region are likely to be disease-causing. For these reasons, this variant has been classified as Pathogenic.

Literature cited by the submitters: PubMed 22306653; PubMed 23486540.

NC_000002.11:g.(?_233028159)_(233028352_?)del

Gene: DIS3L2 (DIS3 like 3'-5' exoribonuclease 2; plus strand). Cytogenetic location: 2q37.1.
Variant type: Deletion.
Identifiers: ClinVar variation 1071530 (VCV001071530.2).